The following is an entry in ClinVar:

NM_001197104.2(KMT2A):c.2801A>G (p.Lys934Arg)

Gene: KMT2A (lysine methyltransferase 2A; plus strand). Cytogenetic location: 11q23.3.
Variant type: single nucleotide variant.
Coding change: c.2801A>G on transcript NM_001197104.2 (MANE Select); coding-DNA position 2801, A replaced by G.
Protein change: p.Lys934Arg; replaces lysine 934 with arginine.
Molecular consequence: missense variant.
Genome position (GRCh38, 1-based): chr11:118,473,960, A>G. VCF-style: chr11-118473960-A-G. GRCh37 (hg19) VCF-style: chr11-118344675-A-G.
Other names: c.2900A>G, p.Lys967Arg (NM_001412597.1); c.2801A>G, p.Lys934Arg (NM_005933.4); short protein forms K967R, K934R.
Identifiers: ClinVar variation 3686181 (VCV003686181.2).

ClinVar aggregate classification (germline): Uncertain significance (1 of 4 stars; one submission).

gnomAD v4.1: 3 of 1,614,046 alleles (0.00019%); highest among the groups gnomAD compares: Admixed American, 0.0033%; no homozygotes.

Submission:

Labcorp Genetics (formerly Invitae), Labcorp
Classification: Uncertain significance. Last evaluated: 2024-03-07. Review status: criteria provided, single submitter. Criteria: Invitae Variant Classification Sherloc (09022015). Collection method: clinical testing. Allele origin: germline.
Comment: This sequence change replaces lysine, which is basic and polar, with arginine, which is basic and polar, at codon 934 of the KMT2A protein (p.Lys934Arg). This variant is present in population databases (rs782723403, gnomAD 0.006%). This variant has not been reported in the literature in individuals affected with KMT2A-related conditions. Advanced modeling of protein sequence and biophysical properties (such as structural, functional, and spatial information, amino acid conservation, physicochemical variation, residue mobility, and thermodynamic stability) performed at Invitae indicates that this missense variant is not expected to disrupt KMT2A protein function with a negative predictive value of 95%. In summary, the available evidence is currently insufficient to determine the role of this variant in disease. Therefore, it has been classified as a Variant of Uncertain Significance.